The following is an entry in ClinVar:

NM_001371596.2(MFSD8):c.16A>C (p.Asn6His)

Gene: MFSD8 (major facilitator superfamily domain containing 8; minus strand). Cytogenetic location: 4q28.2.
Variant type: single nucleotide variant.
Coding change: c.16A>C on transcript NM_001371596.2 (MANE Select); coding-DNA position 16, A replaced by C.
Protein change: p.Asn6His; replaces asparagine 6 with histidine.
Molecular consequence: missense variant. On other transcripts: 5 prime UTR variant (1), intron variant (2).
Genome position (GRCh38, 1-based): chr4:127,965,118, T>G on the plus strand (A>C on the coding strand, the complement: MFSD8 is on the minus strand). VCF-style: chr4-127965118-T-G. GRCh37 (hg19) VCF-style: chr4-128886273-T-G.
Other names: c.16A>C, p.Asn6His (NM_001363520.3, NM_001363521.3, NM_001371591.2 and 5 more transcripts); c.-118A>C (NM_001371595.1); c.-74+779A>C (NM_001371590.2, NM_001410765.1); short protein forms N6H.
Identifiers: ClinVar variation 2162304 (VCV002162304.1), dbSNP rs777004095, ClinGen allele CA3077616.
Genomic context (GRCh38, chr4:127,965,118, plus strand): 5'-CAGGATCCGCTCACCTGCTTCCAGGTGTGTCGCCTAAGAGCGGCTCCTGTTCACTTTCGT[T>G]CCGCAGGCCGGCCATAGTTACACTCCCTACAAGGCGTCTTGCGCCCAACTCTCGCGACAC-3'
Protein context (NP_001358525.1, residues 1-16): MAGLR[Asn6His]ESEQEPLLGD

ClinVar aggregate classification (germline): Uncertain significance (1 of 4 stars; one submission).

Conditions:
Neuronal ceroid lipofuscinosis 7 (CLN7). Also called: MFSD8-Related Neuronal Ceroid-Lipofuscinosis. Identifiers: Orphanet 168491, Orphanet 228366, MedGen C1838571, MONDO:0012588, OMIM 610951.

Allele frequency attached by ClinVar (database versions not stated): TOPMed below 0.00001; ExAC 0.00001; gnomAD 0.00001; gnomAD exomes 0.00001.
gnomAD v4.1: 16 of 1,613,818 alleles (0.00099%); highest among the groups gnomAD compares: Non-Finnish European, 0.0012%; no homozygotes.

Submission:

Labcorp Genetics (formerly Invitae), Labcorp
Classification: Uncertain significance for Neuronal ceroid lipofuscinosis 7. Last evaluated: 2022-07-23. Review status: criteria provided, single submitter. Criteria: Invitae Variant Classification Sherloc (09022015). Collection method: clinical testing. Allele origin: germline.
Comment: This sequence change replaces asparagine, which is neutral and polar, with histidine, which is basic and polar, at codon 6 of the MFSD8 protein (p.Asn6His). This variant is present in population databases (rs777004095, gnomAD 0.0009%). This variant has not been reported in the literature in individuals affected with MFSD8-related conditions. Algorithms developed to predict the effect of missense changes on protein structure and function (SIFT, PolyPhen-2, Align-GVGD) all suggest that this variant is likely to be tolerated. In summary, the available evidence is currently insufficient to determine the role of this variant in disease. Therefore, it has been classified as a Variant of Uncertain Significance.